The following is an entry in ClinVar:

NM_001379659.1(ZNF142):c.3640G>A (p.Glu1214Lys)

Gene: ZNF142 (zinc finger protein 142; minus strand). Cytogenetic location: 2q35.
Variant type: single nucleotide variant.
Coding change: c.3640G>A on transcript NM_001379659.1 (MANE Select); coding-DNA position 3640, G replaced by A.
Protein change: p.Glu1214Lys; replaces glutamic acid 1214 with lysine.
Molecular consequence: missense variant.
Genome position (GRCh38, 1-based): chr2:218,643,476, C>T on the plus strand (G>A on the coding strand, the complement: ZNF142 is on the minus strand). VCF-style: chr2-218643476-C-T. GRCh37 (hg19) VCF-style: chr2-219508199-C-T.
Other names: c.3040G>A, p.Glu1014Lys (NM_001105537.5, NM_001366291.3, NM_001379662.1); c.2551G>A, p.Glu851Lys (NM_001366287.3, NM_001366288.3, NM_001366289.3); c.3640G>A, p.Glu1214Lys (NM_001366290.3, NM_001379660.1, NM_001379661.1); short protein forms E1014K, E1214K, E851K.
Identifiers: ClinVar variation 1341920 (VCV001341920.6), dbSNP rs201639604, ClinGen allele CA2108951.

ClinVar aggregate classification (germline): Conflicting classifications of pathogenicity. Review status: criteria provided, conflicting classifications (1 of 4 stars). 3 submissions from 3 submitters: Uncertain significance (2); Likely benign (1). Last evaluated 2026-06-01.

Conditions:
Neurodevelopmental disorder with impaired speech and hyperkinetic movements. Identifiers: MedGen C5193088, MONDO:0032741, OMIM 618425.

Allele frequency attached by ClinVar (database versions not stated): 1000 Genomes Project 0.00060; 1000 Genomes Project 30x 0.00094; ExAC 0.00109; ESP Exome Variant Server 0.00123; gnomAD exomes 0.00133; gnomAD 0.00153 and 0.00161; TOPMed 0.00167.

Submissions (3):

CeGaT Center for Human Genetics Tuebingen
Classification: Likely benign. Last evaluated: 2026-06-01. Review status: criteria provided, single submitter. Criteria: CeGaT Center For Human Genetics Tuebingen Variant Classification Criteria Version 2. Collection method: clinical testing. Allele origin: germline. Affected: yes. Observed: 3 variant alleles.
Comment: ZNF142: BP4, BS2

New York Genome Center
Classification: Uncertain significance for Neurodevelopmental disorder with impaired speech and hyperkinetic movements. Last evaluated: 2020-05-15. Review status: criteria provided, single submitter. Criteria: NYGC Assertion Criteria 2020. Collection method: clinical testing. Allele origin: germline. Observed: 1 heterozygote. Study: CSER-NYCKidSeq.

Breakthrough Genomics
Classification: Uncertain significance. Review status: criteria provided, single submitter. Criteria: ACMG Guidelines, 2015. Collection method: not provided. Allele origin: germline. Inheritance: Autosomal recessive inheritance. Affected: yes.